The following is an entry in ClinVar:

NM_000038.6(APC):c.889A>G (p.Thr297Ala)

Gene: APC (APC regulator of Wnt signaling pathway; plus strand). Cytogenetic location: 5q22.2.
Variant type: single nucleotide variant.
Coding change: c.889A>G on transcript NM_000038.6 (MANE Select); coding-DNA position 889, A replaced by G.
Protein change: p.Thr297Ala; replaces threonine 297 with alanine.
Molecular consequence: missense variant.
Genome position (GRCh38, 1-based): chr5:112,815,549, A>G. VCF-style: chr5-112815549-A-G. GRCh37 (hg19) VCF-style: chr5-112151246-A-G.
Other names: c.889A>G, p.Thr297Ala (NM_001127510.3, NM_001354895.2, NM_001354896.2 and 1 more transcripts); c.835A>G, p.Thr279Ala (NM_001127511.3); c.919A>G, p.Thr307Ala (NM_001354897.2, NM_001354902.2); c.814A>G, p.Thr272Ala (NM_001354898.2, NM_001354904.2); c.805A>G, p.Thr269Ala (NM_001354899.2); c.712A>G, p.Thr238Ala (NM_001354900.2, NM_001354901.2, NM_001354905.2); c.40A>G, p.Thr14Ala (NM_001354906.2); short protein forms T279A, T297A, T238A, T269A, T272A, T307A, T14A.
Identifiers: ClinVar variation 233684 (VCV000233684.16), dbSNP rs876660572, ClinGen allele CA10578302.

ClinVar aggregate classification (germline): Conflicting classifications of pathogenicity. Review status: criteria provided, conflicting classifications (1 of 4 stars). 4 submissions from 4 submitters: Uncertain significance (3); Likely benign (1). Last evaluated 2025-10-06.

Conditions:
Hereditary cancer-predisposing syndrome. Also called: Neoplastic Syndromes, Hereditary; Tumor predisposition; Hereditary Cancer Syndrome; Hereditary neoplastic syndrome. Identifiers: Orphanet 140162, MedGen C0027672, MeSH D009386, MONDO:0015356.
Familial adenomatous polyposis 1 (FAP1). Also called: FAMILIAL ADENOMATOUS POLYPOSIS 1, ATTENUATED; POLYPOSIS, ADENOMATOUS INTESTINAL. Identifiers: MedGen C2713442, MONDO:0021056, OMIM 175100. Disease mechanism: loss of function.

Allele frequency attached by ClinVar (database versions not stated): gnomAD below 0.00001 and 0.00001; gnomAD exomes 0.00001.
gnomAD v4.1: 7 of 1,612,336 alleles (0.00043%); highest among the groups gnomAD compares: South Asian, 0.0022%; no homozygotes.

Submissions (4):

Color Diagnostics, LLC DBA Color Health
Classification: Uncertain significance for Hereditary cancer-predisposing syndrome. Last evaluated: 2025-10-06. Review status: criteria provided, single submitter. Criteria: ACMG Guidelines, 2015. Collection method: clinical testing. Allele origin: germline.
Comment: This missense variant replaces threonine with alanine at codon 297 of the APC protein. Computational prediction suggests that this variant may not impact protein structure and function. APC is defined as a gene for which primarily truncating variants are known to cause disease (ClinGen HCCP VCEP). To our knowledge, functional studies have not been reported for this variant. This variant has not been reported in individuals affected with APC-related disorders in the literature. This variant has been identified in 7/1612336 chromosomes in the general population by the Genome Aggregation Database (gnomAD). The available evidence is insufficient to determine the role of this variant in disease conclusively. Therefore, this variant is classified as a Variant of Uncertain Significance.

Ambry Genetics
Classification: Likely benign for Hereditary cancer-predisposing syndrome. Last evaluated: 2025-05-27. Review status: criteria provided, single submitter. Criteria: Ambry Variant Classification Scheme 2023. Collection method: clinical testing. Allele origin: germline.

Labcorp Genetics (formerly Invitae), Labcorp
Classification: Uncertain significance for Familial adenomatous polyposis 1. Last evaluated: 2025-05-05. Review status: criteria provided, single submitter. Criteria: Invitae Variant Classification Sherloc (09022015). Collection method: clinical testing. Allele origin: germline.
Comment: This sequence change replaces threonine, which is neutral and polar, with alanine, which is neutral and non-polar, at codon 297 of the APC protein (p.Thr297Ala). This variant is not present in population databases (gnomAD no frequency). This variant has not been reported in the literature in individuals affected with APC-related conditions. ClinVar contains an entry for this variant (Variation ID: 233684). Invitae Evidence Modeling of protein sequence and biophysical properties (such as structural, functional, and spatial information, amino acid conservation, physicochemical variation, residue mobility, and thermodynamic stability) indicates that this missense variant is not expected to disrupt APC protein function with a negative predictive value of 95%. In summary, the available evidence is currently insufficient to determine the role of this variant in disease. Therefore, it has been classified as a Variant of Uncertain Significance.

GeneDx
Classification: Uncertain significance. Last evaluated: 2023-07-11. Review status: criteria provided, single submitter. Criteria: GeneDx Variant Classification Process June 2021. Collection method: clinical testing. Allele origin: germline. Affected: yes.
Comment: Not observed at significant frequency in large population cohorts (gnomAD); In silico analysis supports that this missense variant does not alter protein structure/function; Has not been previously published as pathogenic or benign to our knowledge